The following is an entry in ClinVar:

NM_002016.2(FLG):c.8221C>T (p.Gln2741Ter)

Genes: CCDST (cervical cancer associated DHX9 suppressive transcript; plus strand), FLG (filaggrin; minus strand). Cytogenetic location: 1q21.3.
Variant type: single nucleotide variant.
Coding change: c.8221C>T on transcript NM_002016.2 (MANE Select); coding-DNA position 8221, C replaced by T.
Protein change: p.Gln2741Ter; replaces glutamine 2741 with a stop codon.
Molecular consequence: nonsense.
Genome position (GRCh38, 1-based): chr1:152,306,665, G>A on the plus strand (C>T on the coding strand, the complement: FLG is on the minus strand). VCF-style: chr1-152306665-G-A. GRCh37 (hg19) VCF-style: chr1-152279141-G-A.
Other names: short protein forms Q2741*.
Identifiers: ClinVar variation 3900770 (VCV003900770.2).

ClinVar aggregate classification (germline): Pathogenic (1 of 4 stars; one submission).

Submission:

GeneDx
Classification: Pathogenic. Last evaluated: 2025-11-05. Review status: criteria provided, single submitter. Criteria: GeneDx Variant Classification Process June 2021. Collection method: clinical testing. Allele origin: germline.
Comment: Nonsense variant predicted to result in protein truncation, as the last 1321 amino acid(s) are lost, and other loss-of-function variants have been reported downstream in HGMD; Not observed at significant frequency in large population cohorts (gnomAD); Has not been previously published as pathogenic or benign to our knowledge; This variant is associated with the following publications: (PMID: 16444271)